The following is an entry in ClinVar:

ClinVar aggregate classification (germline): Likely pathogenic (1 of 4 stars; one submission).

Submission:

GeneDx
Classification: Likely pathogenic. Last evaluated: 2017-08-01. Review status: criteria provided, single submitter. Criteria: GeneDx Variant Classification (06012015). Collection method: clinical testing. Allele origin: germline. Affected: yes.
Comment: The T193A variant in the NFIX gene has not been reported previously as a pathogenic variant, nor as a benign variant, to our knowledge. This variant is not observed in large population cohorts (Lek et al., 2016; 1000 Genomes Consortium et al., 2015; Exome Variant Server). The T193A variant is a non-conservative amino acid substitution, which is likely to impact secondary protein structure as these residues differ in polarity, charge, size and/or other properties. In addition, this substitution occurs at a position where amino acids with similar properties to Threonine are tolerated across species. However, in silico analysis is inconsistent in its predictions as to whether or not the variant is damaging to the protein structure/function. We interpret T193A as a likely pathogenic variant.

NM_001365902.3(NFIX):c.553A>G (p.Thr185Ala)

Gene: NFIX (nuclear factor I X; plus strand). Cytogenetic location: 19p13.13.
Variant type: single nucleotide variant.
Coding change: c.553A>G on transcript NM_001365902.3 (MANE Select); coding-DNA position 553, A replaced by G.
Protein change: p.Thr185Ala; replaces threonine 185 with alanine.
Molecular consequence: missense variant.
Genome position (GRCh38, 1-based): chr19:13,025,546, A>G. VCF-style: chr19-13025546-A-G. GRCh37 (hg19) VCF-style: chr19-13136360-A-G.
Other names: c.577A>G, p.Thr193Ala (NM_001271043.2); c.529A>G, p.Thr177Ala (NM_001271044.3, NM_001378404.1); c.553A>G, p.Thr185Ala (NM_001365982.2, NM_002501.4); c.412A>G, p.Thr138Ala (NM_001365983.2); c.550A>G, p.Thr184Ala (NM_001365984.2, NM_001365985.2); c.601A>G, p.Thr201Ala (NM_001378405.1); short protein forms T185A, T193A, T138A, T184A, T177A, T201A.
Identifiers: ClinVar variation 450973 (VCV000450973.2), dbSNP rs1555696660, ClinGen allele CA404316249.